The following is an entry in ClinVar:

ClinVar aggregate classification (germline): Uncertain significance (1 of 4 stars; one submission).

Conditions:
Developmental and epileptic encephalopathy, 34 (DEE34). Also called: SLC12A5-Related Epilepsy of Infancy with Migrating Focal Seizures; Early infantile epileptic encephalopathy 34. Identifiers: Orphanet 293181, MedGen C4225257, MONDO:0014718, OMIM 616645.

Allele frequency attached by ClinVar (database versions not stated): gnomAD exomes below 0.00001; TOPMed below 0.00001; ExAC 0.00001.
gnomAD v4.1: 2 of 1,614,190 alleles (0.00012%); highest among the groups gnomAD compares: Non-Finnish European, 0.00017%; no homozygotes.

Submission:

Labcorp Genetics (formerly Invitae), Labcorp
Classification: Uncertain significance for Developmental and epileptic encephalopathy, 34. Last evaluated: 2024-10-17. Review status: criteria provided, single submitter. Criteria: Invitae Variant Classification Sherloc (09022015). Collection method: clinical testing. Allele origin: germline.
Comment: This sequence change replaces aspartic acid, which is acidic and polar, with asparagine, which is neutral and polar, at codon 1011 of the SLC12A5 protein (p.Asp1011Asn). This variant is present in population databases (rs776641614, gnomAD 0.008%). This variant has not been reported in the literature in individuals affected with SLC12A5-related conditions. ClinVar contains an entry for this variant (Variation ID: 2104646). Invitae Evidence Modeling of protein sequence and biophysical properties (such as structural, functional, and spatial information, amino acid conservation, physicochemical variation, residue mobility, and thermodynamic stability) indicates that this missense variant is not expected to disrupt SLC12A5 protein function with a negative predictive value of 95%. In summary, the available evidence is currently insufficient to determine the role of this variant in disease. Therefore, it has been classified as a Variant of Uncertain Significance.

NM_020708.5(SLC12A5):c.3031G>A (p.Asp1011Asn)

Gene: SLC12A5 (solute carrier family 12 member 5; plus strand). Cytogenetic location: 20q13.12.
Variant type: single nucleotide variant.
Coding change: c.3031G>A on transcript NM_020708.5 (MANE Select); coding-DNA position 3031, G replaced by A.
Protein change: p.Asp1011Asn; replaces aspartic acid 1011 with asparagine.
Molecular consequence: missense variant.
Genome position (GRCh38, 1-based): chr20:46,056,485, G>A. VCF-style: chr20-46056485-G-A. GRCh37 (hg19) VCF-style: chr20-44685124-G-A.
Other names: c.3100G>A, p.Asp1034Asn (NM_001134771.2); short protein forms D1034N, D1011N.
Identifiers: ClinVar variation 2104646 (VCV002104646.2), dbSNP rs776641614, ClinGen allele CA9887766.